The following is an entry in ClinVar:

ClinVar aggregate classification (germline): Likely benign (1 of 4 stars; one submission).

Allele frequency attached by ClinVar (database versions not stated): gnomAD exomes 0.00011; TOPMed 0.00012; gnomAD 0.00013; ExAC 0.00025.
gnomAD v4.1: 178 of 1,555,068 alleles (0.011%); highest among the groups gnomAD compares: Non-Finnish European, 0.014%; no homozygotes.

Submission:

CeGaT Center for Human Genetics Tuebingen
Classification: Likely benign. Last evaluated: 2022-07-01. Review status: criteria provided, single submitter. Criteria: CeGaT Center For Human Genetics Tuebingen Variant Classification Criteria Version 2. Collection method: clinical testing. Allele origin: germline. Affected: yes. Observed: 1 variant allele.
Comment: KRT81: BP4, BP7

NM_002281.4(KRT81):c.138C>T (p.Gly46=)

Genes: KRT81 (keratin 81; minus strand), KRT86 (keratin 86; plus strand). Cytogenetic location: 12q13.13.
Variant type: single nucleotide variant.
Coding change: c.138C>T on transcript NM_002281.4 (MANE Select); coding-DNA position 138, C replaced by T.
Protein change: p.Gly46=; no amino-acid change (glycine 46 retained).
Molecular consequence: synonymous variant. On other transcripts: intron variant (1).
Genome position (GRCh38, 1-based): chr12:52,291,328, G>A on the plus strand (C>T on the coding strand, the complement: KRT81 is on the minus strand). VCF-style: chr12-52291328-G-A. GRCh37 (hg19) VCF-style: chr12-52685112-G-A.
Other names: c.-4-10585G>A (NM_001320198.2).
Identifiers: ClinVar variation 2643011 (VCV002643011.24), dbSNP rs758094830, ClinGen allele CA6576646.